The following is an entry in ClinVar:

NM_001378454.1(ALMS1):c.9962A>T (p.Asp3321Val)

Gene: ALMS1 (ALMS1 centrosome and basal body associated protein; plus strand). Cytogenetic location: 2p13.1.
Variant type: single nucleotide variant.
Coding change: c.9962A>T on transcript NM_001378454.1 (MANE Select); coding-DNA position 9962, A replaced by T.
Protein change: p.Asp3321Val; replaces aspartic acid 3321 with valine.
Molecular consequence: missense variant.
Genome position (GRCh38, 1-based): chr2:73,550,321, A>T. VCF-style: chr2-73550321-A-T. GRCh37 (hg19) VCF-style: chr2-73777448-A-T.
Other names: c.9965A>T, p.Asp3322Val (NM_015120.4); short protein forms D3322V, D3321V.
Identifiers: ClinVar variation 2187086 (VCV002187086.1), dbSNP rs773108952, ClinGen allele CA347271690.
Genomic context (GRCh38, chr2:73,550,321, plus strand): 5'-CTGTAGGATCCAATGATGCCATTGCTCCAGACTTCCCAGCTCAGGTGCTAGGCACAAGAG[A>T]TGATGACCTCTCAGCCACTGTTAACATTAAACATAAAGAAGGAATCTACAGTAAGAGGGT-3'
Protein context (NP_001365383.1, residues 3311-3331): DFPAQVLGTR[Asp3321Val]DDLSATVNIK

ClinVar aggregate classification (germline): Uncertain significance (1 of 4 stars; one submission).

Conditions:
Alstrom syndrome (ALMS). Identifiers: Orphanet 64, MedGen C0268425, MONDO:0008763, OMIM 203800.

Submission:

Labcorp Genetics (formerly Invitae), Labcorp
Classification: Uncertain significance for Alstrom syndrome. Last evaluated: 2022-05-07. Review status: criteria provided, single submitter. Criteria: Invitae Variant Classification Sherloc (09022015). Collection method: clinical testing. Allele origin: germline.
Comment: This sequence change replaces aspartic acid, which is acidic and polar, with valine, which is neutral and non-polar, at codon 3322 of the ALMS1 protein (p.Asp3322Val). This variant is not present in population databases (gnomAD no frequency). This variant has not been reported in the literature in individuals affected with ALMS1-related conditions. Experimental studies and prediction algorithms are not available or were not evaluated, and the functional significance of this variant is currently unknown. In summary, the available evidence is currently insufficient to determine the role of this variant in disease. Therefore, it has been classified as a Variant of Uncertain Significance.